The following is an entry in ClinVar:

ClinVar aggregate classification (germline): Pathogenic (1 of 4 stars; one submission).

Conditions:
Hereditary cancer-predisposing syndrome. Also called: Hereditary Cancer Syndrome; Neoplastic Syndromes, Hereditary; Hereditary neoplastic syndrome; Tumor predisposition. Identifiers: Orphanet 140162, MedGen C0027672, MeSH D009386, MONDO:0015356.

Submission:

Ambry Genetics
Classification: Pathogenic for Hereditary cancer-predisposing syndrome. Last evaluated: 2016-03-29. Review status: criteria provided, single submitter. Criteria: Ambry Variant Classification Scheme 2023. Collection method: clinical testing. Allele origin: germline.
Comment: The c.2181_2187dupTTTGCAT pathogenic mutation, located in coding exon 13 of the DICER1 gene, results from a duplication of TTTGCAT at nucleotide position 2181, causing a translational frameshift with a predicted alternate stop codon. Since frameshifts are typically deleterious in nature, this alteration is interpreted as a disease-causing mutation (ACMG Recommendations for Standards for Interpretation and Reporting of Sequence Variations. Revision 2007. Genet Med. 2008;10:294).

NM_177438.3(DICER1):c.2181_2187dup (p.Asp730delinsPheAlaTer)

Gene: DICER1 (dicer 1, ribonuclease III; minus strand). Cytogenetic location: 14q32.13.
Variant type: Duplication.
Coding change: c.2181_2187dup on transcript NM_177438.3 (MANE Select); coding-DNA positions 2181 to 2187, 7 bases duplicated (TTTGCAT; older notation c.2181_2187dupTTTGCAT).
Protein change: p.Asp730delinsPheAlaTer.
Molecular consequence: nonsense.
Genome position (GRCh38, 1-based): chr14:95,111,386-95,111,392, ATGCAAA duplicated on the plus strand (TTTGCAT on the coding strand, the reverse complement: DICER1 is on the minus strand). VCF-style (leftmost placement, unchanged base first): chr14-95111385-C-CATGCAAA. GRCh37 (hg19) VCF-style: chr14-95577722-C-CATGCAAA.
Other names: c.2181_2187dup, p.Asp730delinsPheAlaTer (NM_001195573.1, NM_001271282.3, NM_001291628.2 and 1 more transcripts); c.2181_2187dupTTTGCAT (NM_177438.2).
Identifiers: ClinVar variation 429143 (VCV000429143.5), dbSNP rs1131691213, ClinGen allele CA645369632.